The following is an entry in ClinVar:

ClinVar aggregate classification (germline): Likely benign. Review status: criteria provided, single submitter (1 of 4 stars). 2 submissions from 2 submitters: Likely benign (1). 1 of the submissions does not count toward it. Last evaluated 2022-07-18.

Conditions:
NSD1-related disorder. Also called: NSD1-related condition.

Allele frequency attached by ClinVar (database versions not stated): gnomAD exomes below 0.00001.
gnomAD v4.1: 7 of 1,614,100 alleles (0.00043%); highest among the groups gnomAD compares: South Asian, 0.0044%; no homozygotes.

Submissions (2):

Labcorp Genetics (formerly Invitae), Labcorp
Classification: Likely benign. Last evaluated: 2022-07-18. Review status: criteria provided, single submitter. Criteria: Invitae Variant Classification Sherloc (09022015). Collection method: clinical testing. Allele origin: germline.

PreventionGenetics, part of Exact Sciences
Classification: Uncertain significance for NSD1-related condition. Last evaluated: 2023-11-27. Review status: no assertion criteria provided. Collection method: clinical testing. Allele origin: germline. Not counted in ClinVar's aggregate classification.
Comment: The NSD1 c.3639A>G variant is predicted to result in the amino acid substitution p.Ile1213Met. To our knowledge, this variant has not been reported in the literature. This variant is reported in 0.00088% of alleles in individuals of European (Non-Finnish) descent in gnomAD. At this time, the clinical significance of this variant is uncertain due to the absence of conclusive functional and genetic evidence.

NM_022455.5(NSD1):c.3639A>G (p.Ile1213Met)

Gene: NSD1 (nuclear receptor binding SET domain protein 1; plus strand). Cytogenetic location: 5q35.3.
Variant type: single nucleotide variant.
Coding change: c.3639A>G on transcript NM_022455.5 (MANE Select); coding-DNA position 3639, A replaced by G.
Protein change: p.Ile1213Met; replaces isoleucine 1213 with methionine.
Molecular consequence: missense variant.
Genome position (GRCh38, 1-based): chr5:177,212,038, A>G. VCF-style: chr5-177212038-A-G. GRCh37 (hg19) VCF-style: chr5-176639039-A-G.
Other names: c.2766A>G, p.Ile922Met (NM_001365684.2, NM_001409306.1, NM_001409307.1 and 3 more transcripts); c.3639A>G, p.Ile1213Met (NM_001409301.1, NM_001409302.1, NM_001409303.1); c.3219A>G, p.Ile1073Met (NM_001409304.1); c.2886A>G, p.Ile962Met (NM_001409305.1); short protein forms I944M, I1213M, I1073M, I962M, I922M.
Identifiers: ClinVar variation 1449604 (VCV001449604.8), dbSNP rs1425698482, ClinGen allele CA362326592.